The following is an entry in ClinVar:

NM_006445.4(PRPF8):c.3447-12C>T

Gene: PRPF8 (pre-mRNA processing factor 8; minus strand). Cytogenetic location: 17p13.3.
Variant type: single nucleotide variant.
Coding change: c.3447-12C>T on transcript NM_006445.4 (MANE Select); 12 bases into the intron before coding-DNA position 3447, C replaced by T.
Molecular consequence: intron variant.
Genome position (GRCh38, 1-based): chr17:1,673,579, G>A on the plus strand (C>T on the coding strand, the complement: PRPF8 is on the minus strand). VCF-style: chr17-1673579-G-A. GRCh37 (hg19) VCF-style: chr17-1576873-G-A.
Identifiers: ClinVar variation 889760 (VCV000889760.13), dbSNP rs148435449, ClinGen allele CA8271869.

ClinVar aggregate classification (germline): Benign/Likely benign. Review status: criteria provided, multiple submitters, no conflicts (2 of 4 stars). 4 submissions from 4 submitters: Benign (1); Likely benign (3). Last evaluated 2026-02-01.

Conditions:
Retinitis pigmentosa 13 (RP13). Also called: PRPF 8-Related Retinitis Pigmentosa. Identifiers: Orphanet 791, MedGen C1838702, MONDO:0010806, OMIM 600059.
Retinitis pigmentosa (RP). Identifiers: Orphanet 791, MedGen C0035334, MeSH D012174, MONDO:0019200, OMIM 268000. Inheritance: Autosomal dominant, autosomal recessive and X linked inheritance.

Allele frequency attached by ClinVar (database versions not stated): gnomAD exomes 0.00042; ExAC 0.00052; gnomAD 0.00135 and 0.00138; ESP Exome Variant Server 0.00146; TOPMed 0.00172; 1000 Genomes Project 0.00260; 1000 Genomes Project 30x 0.00328.
gnomAD v4.1: 446 of 1,613,922 alleles (0.028%); highest among the groups gnomAD compares: African/African-American, 0.38%; no homozygotes.

Submissions (4):

Labcorp Genetics (formerly Invitae), Labcorp
Classification: Benign. Last evaluated: 2026-02-01. Review status: criteria provided, single submitter. Criteria: Invitae Variant Classification Sherloc (09022015). Collection method: clinical testing. Allele origin: germline.

Blueprint Genetics
Classification: Likely benign. Last evaluated: 2024-10-04. Review status: criteria provided, single submitter. Criteria: ACMG Guidelines, 2015. Collection method: clinical testing. Allele origin: germline.

Fulgent Genetics
Classification: Likely benign for Retinitis pigmentosa 13. Last evaluated: 2021-10-19. Review status: criteria provided, single submitter. Criteria: ACMG Guidelines, 2015. Collection method: clinical testing. Allele origin: unknown.

Illumina Laboratory Services, Illumina
Classification: Likely benign for Retinitis pigmentosa. Last evaluated: 2018-01-12. Review status: criteria provided, single submitter. Criteria: ICSL Variant Classification Criteria 13 December 2019. Collection method: clinical testing. Allele origin: germline.
Comment: This variant was observed in the ICSL laboratory as part of a predisposition screen in an ostensibly healthy population. It had not been previously curated by ICSL or reported in the Human Gene Mutation Database (HGMD: prior to June 1st, 2018), and was therefore a candidate for classification through an automated scoring system. Utilizing variant allele frequency, disease prevalence and penetrance estimates, and inheritance mode, an automated score was calculated to assess if this variant is too frequent to cause the disease. Based on the score and internal cut-off values, a variant classified as likely benign is not then subjected to further curation. The score for this variant resulted in a classification of likely benign for this disease.